The following is an entry in ClinVar:

NM_002473.6(MYH9):c.139_141del (p.Lys47del)

Gene: MYH9 (myosin heavy chain 9; minus strand). Cytogenetic location: 22q12.3.
Variant type: Deletion.
Coding change: c.139_141del on transcript NM_002473.6 (MANE Select); coding-DNA positions 139 to 141, 3 bases deleted (AAG; older notation c.139_141delAAG).
Protein change: p.Lys47del; deletes lysine 47.
Molecular consequence: inframe deletion.
Genome position (GRCh38, 1-based): chr22:36,349,096-36,349,098, CTT deleted on the plus strand (AAG on the coding strand, the reverse complement: MYH9 is on the minus strand). VCF-style (leftmost placement, unchanged base first): chr22-36349095-CCTT-C. GRCh37 (hg19) VCF-style: chr22-36745140-CCTT-C.
Other names: short protein forms K47del.
Identifiers: ClinVar variation 2965375 (VCV002965375.3), dbSNP rs781590963, ClinGen allele CA10210715.
Genomic context (GRCh38, chr22:36,349,095, plus strand): 5'-TCACCTTCACCTTCTTCCCATTCTCCACCAGCTCCACGATGGCCTCTTCGCCCACCTCCT[CCTT>C]GAGGCTGGCTGGCTCAAAGCCACTCTTGTCGGAAGGCACCCATACCAGCTTCTTGGCAGC-3'

ClinVar aggregate classification (germline): Uncertain significance (1 of 4 stars; one submission).

Allele frequency attached by ClinVar (database versions not stated): TOPMed below 0.00001; gnomAD 0.00001; gnomAD exomes 0.00001; ExAC 0.00005.

Submission:

Labcorp Genetics (formerly Invitae), Labcorp
Classification: Uncertain significance. Last evaluated: 2025-01-20. Review status: criteria provided, single submitter. Criteria: Invitae Variant Classification Sherloc (09022015). Collection method: clinical testing. Allele origin: germline.
Comment: This variant, c.139_141del, results in the deletion of 1 amino acid(s) of the MYH9 protein (p.Lys47del), but otherwise preserves the integrity of the reading frame. This variant is present in population databases (rs781590963, gnomAD 0.005%). This variant has not been reported in the literature in individuals affected with MYH9-related conditions. ClinVar contains an entry for this variant (Variation ID: 2965375). Experimental studies and prediction algorithms are not available or were not evaluated, and the functional significance of this variant is currently unknown. In summary, the available evidence is currently insufficient to determine the role of this variant in disease. Therefore, it has been classified as a Variant of Uncertain Significance.